The following is an entry in ClinVar:

NM_000246.4(CIITA):c.1962dup (p.Gly655fs)

Gene: CIITA (class II major histocompatibility complex transactivator; plus strand). Cytogenetic location: 16p13.13.
Variant type: Duplication.
Coding change: c.1962dup on transcript NM_000246.4 (MANE Select); coding-DNA position 1962, one base duplicated (C; older notation c.1962dupC).
Protein change: p.Gly655fs; shifts the reading frame from glycine 655.
Molecular consequence: frameshift variant. On other transcripts: intron variant (1).
Genome position (GRCh38, 1-based): chr16:10,907,454, C duplicated; the last of 7 consecutive C bases (chr16:10,907,448-10,907,454); duplicating any one gives the same sequence. VCF-style (leftmost placement, unchanged base first): chr16-10907447-G-GC. GRCh37 (hg19) VCF-style: chr16-11001304-G-GC.
Other names: c.1815dup, p.Gly606fs (NM_001379331.1); c.1965dup, p.Gly656fs (NM_001379332.1, NM_001286402.1); c.1962dup, p.Gly655fs (NM_001379333.1); c.1893dup, p.Gly632fs (NM_001379334.1); c.1818dup, p.Gly607fs (NM_001379330.1); c.860-1529dup (NM_001286403.2); c.1962dup (NM_000246.3); c.1962dupC (NM_000246.3); short protein forms G655fs, G656fs, G606fs, G607fs, G632fs.
Identifiers: ClinVar variation 663446 (VCV000663446.9), dbSNP rs778982759, ClinGen allele CA7900254.

ClinVar aggregate classification (germline): Pathogenic/Likely pathogenic. Review status: criteria provided, multiple submitters, no conflicts (2 of 4 stars). 2 submissions from 2 submitters: Pathogenic (1); Likely pathogenic (1). Last evaluated 2023-03-08.

Conditions:
MHC class II deficiency. Also called: Bare lymphocyte syndrome 2; BLS, TYPE II. Identifiers: Orphanet 572, MedGen C5447452, MONDO:0008855.
MHC class II deficiency 1 (MHC2D1). Also called: SCID, HLA CLASS II-NEGATIVE; BARE LYMPHOCYTE SYNDROME, TYPE II, COMPLEMENTATION GROUP A; Bare lymphocyte syndrome type 2, complementation group A. Identifiers: MedGen C1859534, MONDO:0971005, OMIM 209920.

Submissions (2):

Labcorp Genetics (formerly Invitae), Labcorp
Classification: Pathogenic for MHC class II deficiency. Last evaluated: 2023-03-08. Review status: criteria provided, single submitter. Criteria: Invitae Variant Classification Sherloc (09022015). Collection method: clinical testing. Allele origin: germline.
Comment: For these reasons, this variant has been classified as Pathogenic. ClinVar contains an entry for this variant (Variation ID: 663446). This variant has not been reported in the literature in individuals affected with CIITA-related conditions. The frequency data for this variant in the population databases is considered unreliable, as metrics indicate poor data quality at this position in the gnomAD database. This sequence change creates a premature translational stop signal (p.Gly655Argfs*94) in the CIITA gene. It is expected to result in an absent or disrupted protein product. Loss-of-function variants in CIITA are known to be pathogenic (PMID: 8402893, 9099848, 26271388).

Revvity Omics, Revvity
Classification: Likely pathogenic for MHC class II deficiency 1. Last evaluated: 2022-10-17. Review status: criteria provided, single submitter. Criteria: ACMG Guidelines, 2015. Collection method: clinical testing. Allele origin: germline.

Literature cited by the submitters: PubMed 8402893 (cited by Labcorp Genetics (formerly Invitae), Labcorp); PubMed 9099848 (cited by Labcorp Genetics (formerly Invitae), Labcorp); PubMed 26271388 (cited by Labcorp Genetics (formerly Invitae), Labcorp).